The following is an entry in ClinVar:

NM_000382.3(ALDH3A2):c.2T>A (p.Met1Lys)

Gene: ALDH3A2 (aldehyde dehydrogenase 3 family member A2; plus strand). Cytogenetic location: 17p11.2.
Variant type: single nucleotide variant.
Coding change: c.2T>A on transcript NM_000382.3 (MANE Select); coding-DNA position 2, T replaced by A.
Protein change: p.Met1Lys; changes the start codon (methionine 1).
Molecular consequence: missense variant, initiator codon variant. On other transcripts: 5 prime UTR variant (1).
Genome position (GRCh38, 1-based): chr17:19,648,973, T>A. VCF-style: chr17-19648973-T-A. GRCh37 (hg19) VCF-style: chr17-19552286-T-A.
Other names: c.2T>A, p.Met1Lys (NM_001031806.2, NM_001369136.1, NM_001369137.2 and 3 more transcripts); c.-687T>A (NM_001369148.2); short protein forms M1K.
Identifiers: ClinVar variation 552666 (VCV000552666.7), dbSNP rs61737991, ClinGen allele CA288537374.

ClinVar aggregate classification (germline): Pathogenic/Likely pathogenic. Review status: criteria provided, multiple submitters, no conflicts (2 of 4 stars). 3 submissions from 3 submitters: Pathogenic (1); Likely pathogenic (1). 1 of the submissions does not count toward it. Last evaluated 2026-02-12.

Conditions:
Sjögren-Larsson syndrome (SLS). Also called: FALDH DEFICIENCY; FATTY ALCOHOL:NAD+ OXIDOREDUCTASE DEFICIENCY; FATTY ALDEHYDE DEHYDROGENASE DEFICIENCY; ICHTHYOSIS, SPASTIC NEUROLOGIC DISORDER, AND OLIGOPHRENIA. Identifiers: Orphanet 816, MedGen C0037231, MONDO:0010031, OMIM 270200.

Allele frequency attached by ClinVar (database versions not stated): gnomAD exomes below 0.00001; gnomAD 0.00001; TOPMed 0.00001.

Submissions (3):

Myriad Genetics, Inc.
Classification: Likely pathogenic for Sjögren-Larsson syndrome. Last evaluated: 2026-02-12. Review status: criteria provided, single submitter. Criteria: Myriad Autosomal Dominant, Autosomal Recessive and X-Linked Classification Criteria (2023). Collection method: clinical testing. Allele origin: unknown.
Comment: NM_000382.2(ALDH3A2):c.2T>A(M1?) is an initiation codon variant classified as likely pathogenic in the context of Sjogren-Larsson syndrome. M1? has not been observed in cases with relevant disease. Relevant functional assessments of this variant are not available in the literature. Internal structural analysis of the variant is supportive of pathogenicity. M1? has been observed in referenced population frequency databases. Please note: this variant was assessed in the context of healthy population screening.

Labcorp Genetics (formerly Invitae), Labcorp
Classification: Pathogenic. Last evaluated: 2023-04-07. Review status: criteria provided, single submitter. Criteria: Invitae Variant Classification Sherloc (09022015). Collection method: clinical testing. Allele origin: germline.
Comment: ClinVar contains an entry for this variant (Variation ID: 552666). This variant disrupts a region of the ALDH3A2 protein in which other variant(s) (p.Leu27Pro) have been determined to be pathogenic (PMID: 11408337). This suggests that this is a clinically significant region of the protein, and that variants that disrupt it are likely to be disease-causing. For these reasons, this variant has been classified as Pathogenic. This variant has not been reported in the literature in individuals affected with ALDH3A2-related conditions. This sequence change affects the initiator methionine of the ALDH3A2 mRNA. The next in-frame methionine is located at codon 33. This variant is not present in population databases (gnomAD no frequency).

Counsyl
Classification: Likely pathogenic for Sjögren-Larsson syndrome. Last evaluated: 2017-06-26. Review status: no assertion criteria provided. Collection method: clinical testing. Allele origin: unknown. Not counted in ClinVar's aggregate classification.

Literature cited by the submitters: PubMed 11408337 (cited by Labcorp Genetics (formerly Invitae), Labcorp).